The following is an entry in ClinVar:

ClinVar aggregate classification (germline): Uncertain significance. Review status: criteria provided, multiple submitters, no conflicts (2 of 4 stars). 2 submissions from 2 submitters: Uncertain significance (2). Last evaluated 2025-12-20.

Conditions:
EGFR-related lung cancer (EGFR). Identifiers: MedGen CN130014.
Hereditary cancer-predisposing syndrome. Also called: Tumor predisposition; Hereditary neoplastic syndrome; Neoplastic Syndromes, Hereditary; Hereditary Cancer Syndrome. Identifiers: Orphanet 140162, MedGen C0027672, MeSH D009386, MONDO:0015356.

Allele frequency attached by ClinVar (database versions not stated): gnomAD exomes 0.00002; ExAC 0.00004; TOPMed 0.00004; gnomAD 0.00005 and 0.00006; ESP Exome Variant Server 0.00008.
gnomAD v4.1: 31 of 1,614,042 alleles (0.0019%); highest among the groups gnomAD compares: Middle Eastern, 0.049%; no homozygotes.

Submissions (2):

Labcorp Genetics (formerly Invitae), Labcorp
Classification: Uncertain significance for EGFR-related lung cancer. Last evaluated: 2025-12-20. Review status: criteria provided, single submitter. Criteria: Invitae Variant Classification Sherloc (09022015). Collection method: clinical testing. Allele origin: germline.
Comment: This sequence change replaces arginine, which is basic and polar, with glutamine, which is neutral and polar, at codon 255 of the EGFR protein (p.Arg255Gln). This variant is present in population databases (rs372202099, gnomAD 0.02%). This variant has not been reported in the literature in individuals affected with EGFR-related conditions. ClinVar contains an entry for this variant (Variation ID: 862187). Invitae Evidence Modeling of protein sequence and biophysical properties (such as structural, functional, and spatial information, amino acid conservation, physicochemical variation, residue mobility, and thermodynamic stability) indicates that this missense variant is not expected to disrupt EGFR protein function with a negative predictive value of 80%. In summary, the available evidence is currently insufficient to determine the role of this variant in disease. Therefore, it has been classified as a Variant of Uncertain Significance.

Ambry Genetics
Classification: Uncertain significance for Hereditary cancer-predisposing syndrome. Last evaluated: 2025-01-20. Review status: criteria provided, single submitter. Criteria: Ambry Variant Classification Scheme 2023. Collection method: clinical testing. Allele origin: germline.
Comment: The p.R255Q variant (also known as c.764G>A), located in coding exon 7 of the EGFR gene, results from a G to A substitution at nucleotide position 764. The arginine at codon 255 is replaced by glutamine, an amino acid with highly similar properties. This amino acid position is not well conserved in available vertebrate species. In addition, this alteration is predicted to be tolerated by in silico analysis. Based on the available evidence, the clinical significance of this variant remains unclear.

NM_005228.5(EGFR):c.764G>A (p.Arg255Gln)

Gene: EGFR (epidermal growth factor receptor; plus strand). Cytogenetic location: 7p11.2.
Variant type: single nucleotide variant.
Coding change: c.764G>A on transcript NM_005228.5 (MANE Select); coding-DNA position 764, G replaced by A.
Protein change: p.Arg255Gln; replaces arginine 255 with glutamine.
Molecular consequence: missense variant. On other transcripts: intron variant (1).
Genome position (GRCh38, 1-based): chr7:55,154,027, G>A. VCF-style: chr7-55154027-G-A. GRCh37 (hg19) VCF-style: chr7-55221720-G-A.
Other names: c.629G>A, p.Arg210Gln (NM_001346897.2, NM_001346899.2); c.764G>A, p.Arg255Gln (NM_001346898.2, NM_201282.2, NM_201283.2 and 1 more transcripts); c.605G>A, p.Arg202Gln (NM_001346900.2); c.89-1803G>A (NM_001346941.2); short protein forms R210Q, R255Q, R202Q.
Identifiers: ClinVar variation 862187 (VCV000862187.8), dbSNP rs372202099, ClinGen allele CA4265358.
Genomic context (GRCh38, chr7:55,154,027, plus strand): 5'-GTGTACTTACCTCACTTGCCCAGCGTGTCCTCTCTCCTCCATAGGTCTGCCGCAAATTCC[G>A]AGACGAAGCCACGTGCAAGGACACCTGCCCCCCACTCATGCTCTACAACCCCACCACGTA-3'
Protein context (NP_005219.2, residues 245-265): ESDCLVCRKF[Arg255Gln]DEATCKDTCP